The following is an entry in ClinVar:

ClinVar aggregate classification (germline): Uncertain significance (1 of 4 stars; one submission).

Submission:

Labcorp Genetics (formerly Invitae), Labcorp
Classification: Uncertain significance. Last evaluated: 2022-02-08. Review status: criteria provided, single submitter. Criteria: Invitae Variant Classification Sherloc (09022015). Collection method: clinical testing. Allele origin: germline.
Comment: This variant is not present in population databases (gnomAD no frequency). This variant, c.2295_2297del, results in the deletion of 1 amino acid(s) of the MPDZ protein (p.Glu766del), but otherwise preserves the integrity of the reading frame. This variant has not been reported in the literature in individuals affected with MPDZ-related conditions. In summary, the available evidence is currently insufficient to determine the role of this variant in disease. Therefore, it has been classified as a Variant of Uncertain Significance. Experimental studies and prediction algorithms are not available or were not evaluated, and the functional significance of this variant is currently unknown.

NM_001378778.1(MPDZ):c.2295_2297del (p.Glu766del)

Gene: MPDZ (multiple PDZ domain crumbs cell polarity complex component; minus strand). Cytogenetic location: 9p23.
Variant type: Deletion.
Coding change: c.2295_2297del on transcript NM_001378778.1 (MANE Select); coding-DNA positions 2295 to 2297, 3 bases deleted (GGA; older notation c.2295_2297delGGA).
Protein change: p.Glu766del; deletes glutamic acid 766.
Molecular consequence: inframe deletion.
Genome position (GRCh38, 1-based): chr9:13,188,851-13,188,853, TCC deleted on the plus strand (GGA on the coding strand, the reverse complement: MPDZ is on the minus strand); deleting any 3 consecutive bases within chr9:13,188,851-13,188,855 gives the same sequence; the c. name uses the placement nearest the transcript's 3' end. VCF-style (leftmost placement, unchanged base first): chr9-13188850-TTCC-T. GRCh37 (hg19) VCF-style: chr9-13188849-TTCC-T.
Other names: c.2295_2297del, p.Glu766del (NM_001261406.2, NM_001261407.2, NM_001330637.2 and 14 more transcripts); short protein forms E766del.
Identifiers: ClinVar variation 2094830 (VCV002094830.4), dbSNP rs2494063172, ClinGen allele CA2580079236.